The following is an entry in ClinVar:

ClinVar aggregate classification (germline): Uncertain significance (1 of 4 stars; one submission).

Submission:

Labcorp Genetics (formerly Invitae), Labcorp
Classification: Uncertain significance. Last evaluated: 2022-06-30. Review status: criteria provided, single submitter. Criteria: Invitae Variant Classification Sherloc (09022015). Collection method: clinical testing. Allele origin: germline.
Comment: In summary, the available evidence is currently insufficient to determine the role of this variant in disease. Therefore, it has been classified as a Variant of Uncertain Significance. Algorithms developed to predict the effect of missense changes on protein structure and function are either unavailable or do not agree on the potential impact of this missense change (SIFT: "Not Available"; PolyPhen-2: "Probably Damaging"; Align-GVGD: "Not Available"). ClinVar contains an entry for this variant (Variation ID: 1501875). This variant has not been reported in the literature in individuals affected with CDH3-related conditions. This variant is not present in population databases (gnomAD no frequency). This sequence change replaces tryptophan, which is neutral and slightly polar, with serine, which is neutral and polar, at codon 362 of the CDH3 protein (p.Trp362Ser).

NM_001793.6(CDH3):c.1085G>C (p.Trp362Ser)

Gene: CDH3 (cadherin 3; plus strand). Cytogenetic location: 16q22.1.
Variant type: single nucleotide variant.
Coding change: c.1085G>C on transcript NM_001793.6 (MANE Select); coding-DNA position 1085, G replaced by C.
Protein change: p.Trp362Ser; replaces tryptophan 362 with serine.
Molecular consequence: missense variant.
Genome position (GRCh38, 1-based): chr16:68,682,390, G>C. VCF-style: chr16-68682390-G-C. GRCh37 (hg19) VCF-style: chr16-68716293-G-C.
Other names: c.1085G>C, p.Trp362Ser (NM_001317195.3); c.920G>C, p.Trp307Ser (NM_001317196.2); short protein forms W362S, W307S.
Identifiers: ClinVar variation 1501875 (VCV001501875.6), dbSNP rs755910254, ClinGen allele CA396453135.